The following is an entry in ClinVar:

NM_000083.3(CLCN1):c.775-3T>C

Gene: CLCN1 (chloride voltage-gated channel 1; plus strand). Cytogenetic location: 7q34.
Variant type: single nucleotide variant.
Coding change: c.775-3T>C on transcript NM_000083.3 (MANE Select); 3 bases into the intron before coding-DNA position 775, T replaced by C.
Molecular consequence: intron variant. On other transcripts: non-coding transcript variant (1).
Genome position (GRCh38, 1-based): chr7:143,324,411, T>C. VCF-style: chr7-143324411-T-C. GRCh37 (hg19) VCF-style: chr7-143021504-T-C.
Identifiers: ClinVar variation 4794214 (VCV004794214.1).
Genomic context (GRCh38, chr7:143,324,411, plus strand): 5'-TGTCCTCTGCCTGCCCACCTCCCTCTCTTCCACCTGTTTCTCTGTCTGTCTCTCCCCTAG[T>C]AGCAGCCATACTACTACTCTGATATCCTGACGGTGGGCTGTGCTGTGGGAGTCGGCTGTT-3'

ClinVar aggregate classification (germline): Uncertain significance (1 of 4 stars; one submission).

Conditions:
Congenital myotonia, autosomal dominant form (THD). Also called: THOMSEN DISEASE; Myotonia congenita autosomal dominant. Identifiers: Orphanet 614, MedGen C2936781, MONDO:0008055, OMIM 160800.
Congenital myotonia, autosomal recessive form. Also called: BECKER DISEASE; Becker Generalized Myotonia; myotonia congenita, autosomal recessive. Identifiers: Orphanet 614, MedGen C0751360, MONDO:0009715, OMIM 255700.

gnomAD v4.1: 3 of 1,612,642 alleles (0.00019%); highest among the groups gnomAD compares: Non-Finnish European, 0.00025%; no homozygotes.

Submission:

Labcorp Genetics (formerly Invitae), Labcorp
Classification: Uncertain significance for Congenital myotonia, autosomal recessive form; Congenital myotonia, autosomal dominant form. Last evaluated: 2025-04-16. Review status: criteria provided, single submitter. Criteria: Invitae Variant Classification Sherloc (09022015). Collection method: clinical testing. Allele origin: germline.
Comment: This sequence change falls in intron 6 of the CLCN1 gene. It does not directly change the encoded amino acid sequence of the CLCN1 protein. It affects a nucleotide within the consensus splice site. This variant is not present in population databases (gnomAD no frequency). This variant has not been reported in the literature in individuals affected with CLCN1-related conditions. Variants that disrupt the consensus splice site are a relatively common cause of aberrant splicing (PMID: 17576681, 9536098). Algorithms developed to predict the effect of sequence changes on RNA splicing suggest that this variant is not likely to affect RNA splicing. In summary, the available evidence is currently insufficient to determine the role of this variant in disease. Therefore, it has been classified as a Variant of Uncertain Significance.

Literature cited by the submitters: PubMed 17576681; PubMed 9536098.